The following is an entry in ClinVar:

ClinVar aggregate classification (germline): Uncertain significance. Review status: criteria provided, multiple submitters, no conflicts (2 of 4 stars). 2 submissions from 2 submitters: Uncertain significance (2). Last evaluated 2023-08-04.

Conditions:
Inborn genetic diseases. Identifiers: MedGen C0950123, MeSH D030342.

Allele frequency attached by ClinVar (database versions not stated): gnomAD exomes below 0.00001; TOPMed 0.00001; gnomAD 0.00002.
gnomAD v4.1: 4 of 1,614,110 alleles (0.00025%); highest among the groups gnomAD compares: African/African-American, 0.0053%; no homozygotes.

Submissions (2):

Labcorp Genetics (formerly Invitae), Labcorp
Classification: Uncertain significance. Last evaluated: 2023-08-04. Review status: criteria provided, single submitter. Criteria: Invitae Variant Classification Sherloc (09022015). Collection method: clinical testing. Allele origin: germline.
Comment: In summary, the available evidence is currently insufficient to determine the role of this variant in disease. Therefore, it has been classified as a Variant of Uncertain Significance. Advanced modeling of protein sequence and biophysical properties (such as structural, functional, and spatial information, amino acid conservation, physicochemical variation, residue mobility, and thermodynamic stability) performed at Invitae indicates that this missense variant is not expected to disrupt MYO3A protein function. ClinVar contains an entry for this variant (Variation ID: 1383764). This missense change has been observed in individual(s) with nonsyndromic deafness (Invitae). This variant is not present in population databases (gnomAD no frequency). This sequence change replaces threonine, which is neutral and polar, with alanine, which is neutral and non-polar, at codon 1384 of the MYO3A protein (p.Thr1384Ala).

Ambry Genetics
Classification: Uncertain significance for Inborn genetic diseases. Last evaluated: 2022-05-16. Review status: criteria provided, single submitter. Criteria: Ambry Variant Classification Scheme 2023. Collection method: clinical testing. Allele origin: germline.

NM_017433.5(MYO3A):c.4150A>G (p.Thr1384Ala)

Gene: MYO3A (myosin IIIA; plus strand). Cytogenetic location: 10p12.1.
Variant type: single nucleotide variant.
Coding change: c.4150A>G on transcript NM_017433.5 (MANE Select); coding-DNA position 4150, A replaced by G.
Protein change: p.Thr1384Ala; replaces threonine 1384 with alanine.
Molecular consequence: missense variant.
Genome position (GRCh38, 1-based): chr10:26,174,414, A>G. VCF-style: chr10-26174414-A-G. GRCh37 (hg19) VCF-style: chr10-26463343-A-G.
Other names: c.4150A>G (NM_017433.4); short protein forms T1384A.
Identifiers: ClinVar variation 1383764 (VCV001383764.9), dbSNP rs868470947, ClinGen allele CA204393680.